The following is an entry in ClinVar:

ClinVar aggregate classification (germline): Likely benign (1 of 4 stars; one submission).

Submission:

CeGaT Center for Human Genetics Tuebingen
Classification: Likely benign. Last evaluated: 2025-08-01. Review status: criteria provided, single submitter. Criteria: CeGaT Center For Human Genetics Tuebingen Variant Classification Criteria Version 2. Collection method: clinical testing. Allele origin: germline. Affected: yes. Observed: 1 variant allele.
Comment: GPC3: PM2:Supporting, BP4, BP7

NM_004484.4(GPC3):c.432T>C (p.Phe144=)

Gene: GPC3 (glypican 3; minus strand). Cytogenetic location: Xq26.2.
Variant type: single nucleotide variant.
Coding change: c.432T>C on transcript NM_004484.4 (MANE Select); coding-DNA position 432, T replaced by C.
Protein change: p.Phe144=; no amino-acid change (phenylalanine 144 retained).
Molecular consequence: synonymous variant.
Genome position (GRCh38, 1-based): chrX:133,754,082, A>G on the plus strand (T>C on the coding strand, the complement: GPC3 is on the minus strand). VCF-style: chrX-133754082-A-G. GRCh37 (hg19) VCF-style: chrX-132888109-A-G.
Other names: c.432T>C, p.Phe144= (NM_001164617.2); c.384T>C, p.Phe128= (NM_001164618.2); c.270T>C, p.Phe90= (NM_001164619.2).
Identifiers: ClinVar variation 4084769 (VCV004084769.8).